The following is an entry in ClinVar:

ClinVar aggregate classification (germline): Uncertain significance (1 of 4 stars; one submission).

Conditions:
Early-infantile DEE. Also called: Early infantile epileptic encephalopathy; Early infantile epileptic encephalopathy with suppression bursts; Ohtahara syndrome. Identifiers: Orphanet 1934, MedGen C0393706, MONDO:0800491.

Submission:

Labcorp Genetics (formerly Invitae), Labcorp
Classification: Uncertain significance for Early-infantile DEE. Last evaluated: 2022-08-23. Review status: criteria provided, single submitter. Criteria: Invitae Variant Classification Sherloc (09022015). Collection method: clinical testing. Allele origin: germline.
Comment: This sequence change replaces methionine, which is neutral and non-polar, with arginine, which is basic and polar, at codon 236 of the CACNA2D2 protein (p.Met236Arg). This variant is not present in population databases (gnomAD no frequency). This variant has not been reported in the literature in individuals affected with CACNA2D2-related conditions. Algorithms developed to predict the effect of missense changes on protein structure and function are either unavailable or do not agree on the potential impact of this missense change (SIFT: "Deleterious"; PolyPhen-2: "Benign"; Align-GVGD: "Class C0"). In summary, the available evidence is currently insufficient to determine the role of this variant in disease. Therefore, it has been classified as a Variant of Uncertain Significance.

NM_006030.4(CACNA2D2):c.707T>G (p.Met236Arg)

Gene: CACNA2D2 (calcium voltage-gated channel auxiliary subunit alpha2delta 2; minus strand). Cytogenetic location: 3p21.31.
Variant type: single nucleotide variant.
Coding change: c.707T>G on transcript NM_006030.4 (MANE Select); coding-DNA position 707, T replaced by G.
Protein change: p.Met236Arg; replaces methionine 236 with arginine.
Molecular consequence: missense variant.
Genome position (GRCh38, 1-based): chr3:50,381,072, A>C on the plus strand (T>G on the coding strand, the complement: CACNA2D2 is on the minus strand). VCF-style: chr3-50381072-A-C. GRCh37 (hg19) VCF-style: chr3-50418503-A-C.
Other names: c.707T>G, p.Met236Arg (NM_001005505.3, NM_001174051.3, NM_001410768.1); c.500T>G, p.Met167Arg (NM_001291101.1); short protein forms M167R, M236R.
Identifiers: ClinVar variation 2102588 (VCV002102588.4), dbSNP rs2471034581, ClinGen allele CA352940278.